The following is an entry in ClinVar:

NM_001040142.2(SCN2A):c.2620A>G (p.Ile874Val)

Gene: SCN2A (sodium voltage-gated channel alpha subunit 2; plus strand). Cytogenetic location: 2q24.3.
Variant type: single nucleotide variant.
Coding change: c.2620A>G on transcript NM_001040142.2 (MANE Select); coding-DNA position 2620, A replaced by G.
Protein change: p.Ile874Val; replaces isoleucine 874 with valine.
Molecular consequence: missense variant.
Genome position (GRCh38, 1-based): chr2:165,344,612, A>G. VCF-style: chr2-165344612-A-G. GRCh37 (hg19) VCF-style: chr2-166201122-A-G.
Other names: c.2620A>G, p.Ile874Val (NM_021007.3, NM_001040143.2, NM_001371246.1 and 1 more transcripts); short protein forms I874V.
Identifiers: ClinVar variation 1162930 (VCV001162930.10), dbSNP rs1699475919, ClinGen allele CA349013354.

ClinVar aggregate classification (germline): Conflicting classifications of pathogenicity. Review status: criteria provided, conflicting classifications (1 of 4 stars). 2 submissions from 2 submitters: Likely pathogenic (1); Uncertain significance (1). Last evaluated 2022-03-22.

Conditions:
Seizures, benign familial infantile, 3 (BFIS3). Also called: Familial neonatal seizures; CONVULSIONS, BENIGN FAMILIAL INFANTILE, 3. Identifiers: Orphanet 140927, Orphanet 306, MedGen C1843140, MONDO:0011904, OMIM 607745.
Developmental and epileptic encephalopathy, 11 (DEE11). Also called: Early infantile epileptic encephalopathy 11. Identifiers: Orphanet 1934, MedGen C3150987, MONDO:0013388, OMIM 613721.

Submissions (2):

Labcorp Genetics (formerly Invitae), Labcorp
Classification: Likely pathogenic for Seizures, benign familial infantile, 3; Developmental and epileptic encephalopathy, 11. Last evaluated: 2022-03-22. Review status: criteria provided, single submitter. Criteria: Invitae Variant Classification Sherloc (09022015). Collection method: clinical testing. Allele origin: germline.
Comment: Algorithms developed to predict the effect of missense changes on protein structure and function are either unavailable or do not agree on the potential impact of this missense change (SIFT: "Deleterious"; PolyPhen-2: "Possibly Damaging"; Align-GVGD: "Class C0"). In summary, the currently available evidence indicates that the variant is pathogenic, but additional data are needed to prove that conclusively. Therefore, this variant has been classified as Likely Pathogenic. This sequence change replaces isoleucine, which is neutral and non-polar, with valine, which is neutral and non-polar, at codon 874 of the SCN2A protein (p.Ile874Val). This variant is not present in population databases (gnomAD no frequency). ClinVar contains an entry for this variant (Variation ID: 1162930). This missense change has been observed in individual(s) with clinical features of developmental and epileptic encephalopathy (Invitae). In at least one individual the variant was observed to be de novo.

Mayo Clinic Laboratories, Mayo Clinic
Classification: Uncertain significance. Last evaluated: 2020-01-08. Review status: criteria provided, single submitter. Criteria: ACMG Guidelines, 2015. Collection method: clinical testing. Allele origin: germline. Observed: 1 variant allele.